The following is an entry in ClinVar:

ClinVar aggregate classification (germline): Likely benign. Review status: criteria provided, multiple submitters, no conflicts (2 of 4 stars). 2 submissions from 2 submitters: Likely benign (2). Last evaluated 2026-06-24.

Conditions:
PEX13-related disorder. Also called: PEX13-related condition; PEX13-related disorders.
Peroxisome biogenesis disorder 11A (Zellweger). Also called: Peroxisome biogenesis disorder 11A. Identifiers: Orphanet 912, MedGen C3554000, MONDO:0013949, OMIM 614883.

Allele frequency attached by ClinVar (database versions not stated): TOPMed 0.00002; ExAC 0.00003; gnomAD exomes 0.00003.
gnomAD v4.1: 8 of 1,614,190 alleles (0.0005%); highest among the groups gnomAD compares: Admixed American, 0.013%; no homozygotes.

Submissions (2):

PreventionGenetics, part of Exact Sciences
Classification: Likely benign for PEX13-related condition. Last evaluated: 2026-06-24. Review status: criteria provided, single submitter. Criteria: ACMG Guidelines, 2015. Collection method: clinical testing. Allele origin: germline.
Comment: This variant is classified as likely benign based on ACMG/AMP sequence variant interpretation guidelines (Richards et al. 2015 PMID: 25741868, with internal and published modifications).

Labcorp Genetics (formerly Invitae), Labcorp
Classification: Likely benign for Peroxisome biogenesis disorder 11A (Zellweger). Last evaluated: 2025-05-27. Review status: criteria provided, single submitter. Criteria: Invitae Variant Classification Sherloc (09022015). Collection method: clinical testing. Allele origin: germline.

NM_002618.4(PEX13):c.126A>G (p.Arg42=)

Gene: PEX13 (peroxisomal biogenesis factor 13; plus strand). Cytogenetic location: 2p15.
Variant type: single nucleotide variant.
Coding change: c.126A>G on transcript NM_002618.4 (MANE Select); coding-DNA position 126, A replaced by G.
Protein change: p.Arg42=; no amino-acid change (arginine 42 retained).
Molecular consequence: synonymous variant.
Genome position (GRCh38, 1-based): chr2:61,031,452, A>G. VCF-style: chr2-61031452-A-G. GRCh37 (hg19) VCF-style: chr2-61258587-A-G.
Other names: c.126A>G (NM_002618.3).
Identifiers: ClinVar variation 1088453 (VCV001088453.10), dbSNP rs781477994, ClinGen allele CA1673240.
Genomic context (GRCh38, chr2:61,031,452, plus strand): 5'-ACTGTTTTGAATCTTTTTTGGTTTTAGATCTGCTGATTTGGGTCCTACTTTAATGACAAG[A>G]CCTGGACAACCAGCACTTACCAGAGTGCCCCCACCTATTCTTCCAAGGCCATCACAGCAG-3'
Protein context (NP_002609.1, residues 32-52): SADLGPTLMT[Arg42=]PGQPALTRVP